The following is an entry in ClinVar:

NM_015295.3(SMCHD1):c.2414C>T (p.Ala805Val)

Gene: SMCHD1 (structural maintenance of chromosomes flexible hinge domain containing 1; plus strand). Cytogenetic location: 18p11.32.
Variant type: single nucleotide variant.
Coding change: c.2414C>T on transcript NM_015295.3 (MANE Select); coding-DNA position 2414, C replaced by T.
Protein change: p.Ala805Val; replaces alanine 805 with valine.
Molecular consequence: missense variant.
Genome position (GRCh38, 1-based): chr18:2,718,390, C>T. VCF-style: chr18-2718390-C-T. GRCh37 (hg19) VCF-style: chr18-2718388-C-T.
Other names: short protein forms A805V.
Identifiers: ClinVar variation 3720025 (VCV003720025.2).

ClinVar aggregate classification (germline): Uncertain significance (1 of 4 stars; one submission).

Conditions:
Facioscapulohumeral muscular dystrophy 2 (FSHD2). Also called: MUSCULAR DYSTROPHY, FACIOSCAPULOHUMERAL, TYPE 1B; FACIOSCAPULOHUMERAL MUSCULAR DYSTROPHY 2, DIGENIC; FSHD2, DIGENIC. Identifiers: Orphanet 269, MedGen C1834671, MONDO:0008031, OMIM 158901.

gnomAD v4.1: 2 of 1,612,392 alleles (0.00012%); highest among the groups gnomAD compares: Non-Finnish European, 0.00017%; no homozygotes.

Submission:

Labcorp Genetics (formerly Invitae), Labcorp
Classification: Uncertain significance for Facioscapulohumeral muscular dystrophy 2. Last evaluated: 2024-10-29. Review status: criteria provided, single submitter. Criteria: Invitae Variant Classification Sherloc (09022015). Collection method: clinical testing. Allele origin: germline.
Comment: This sequence change replaces alanine, which is neutral and non-polar, with valine, which is neutral and non-polar, at codon 805 of the SMCHD1 protein (p.Ala805Val). The frequency data for this variant in the population databases is considered unreliable, as metrics indicate poor data quality at this position in the gnomAD database. This variant has not been reported in the literature in individuals affected with SMCHD1-related conditions. Invitae Evidence Modeling of protein sequence and biophysical properties (such as structural, functional, and spatial information, amino acid conservation, physicochemical variation, residue mobility, and thermodynamic stability) indicates that this missense variant is not expected to disrupt SMCHD1 protein function with a negative predictive value of 80%. In summary, the available evidence is currently insufficient to determine the role of this variant in disease. Therefore, it has been classified as a Variant of Uncertain Significance.